The following is an entry in ClinVar:

NM_000321.3(RB1):c.1463C>T (p.Ala488Val)

Gene: RB1 (RB transcriptional corepressor 1; plus strand). Cytogenetic location: 13q14.2.
Variant type: single nucleotide variant.
Coding change: c.1463C>T on transcript NM_000321.3 (MANE Select); coding-DNA position 1463, C replaced by T.
Protein change: p.Ala488Val; replaces alanine 488 with valine.
Molecular consequence: missense variant.
Genome position (GRCh38, 1-based): chr13:48,380,206, C>T. VCF-style: chr13-48380206-C-T. GRCh37 (hg19) VCF-style: chr13-48954342-C-T.
Other names: short protein forms A488V.
Identifiers: ClinVar variation 458124 (VCV000458124.12), dbSNP rs780248969, ClinGen allele CA028837.

ClinVar aggregate classification (germline): Conflicting classifications of pathogenicity. Review status: criteria provided, conflicting classifications (1 of 4 stars). 3 submissions from 3 submitters: Uncertain significance (1); Likely benign (2). Last evaluated 2025-11-17.

Conditions:
Hereditary cancer-predisposing syndrome. Also called: Neoplastic Syndromes, Hereditary; Tumor predisposition; Hereditary Cancer Syndrome; Hereditary neoplastic syndrome. Identifiers: Orphanet 140162, MedGen C0027672, MeSH D009386, MONDO:0015356.
Retinoblastoma (RB1). Also called: RETINOBLASTOMA, SOMATIC. Identifiers: Orphanet 790, MedGen C0035335, MeSH D012175, MONDO:0008380, OMIM 180200, HP:0009919. Disease mechanism: loss of function. Inheritance: Both sporadic and heritable forms are tested..

Allele frequency attached by ClinVar (database versions not stated): TOPMed below 0.00001; gnomAD 0.00001; gnomAD exomes 0.00001 and 0.00004; ExAC 0.00008.
gnomAD v4.1: 22 of 1,603,846 alleles (0.0014%); highest among the groups gnomAD compares: Middle Eastern, 0.018%; no homozygotes.

Submissions (3):

Labcorp Genetics (formerly Invitae), Labcorp
Classification: Likely benign for Retinoblastoma. Last evaluated: 2025-11-17. Review status: criteria provided, single submitter. Criteria: Invitae Variant Classification Sherloc (09022015). Collection method: clinical testing. Allele origin: germline.

All of Us Research Program, National Institutes of Health
Classification: Uncertain significance for Retinoblastoma. Last evaluated: 2023-02-24. Review status: criteria provided, single submitter. Criteria: ACMG Guidelines, 2015. Collection method: clinical testing. Allele origin: germline. Inheritance: Autosomal dominant inheritance. Observed: 1 variant allele, 1 heterozygote.
Comment: This missense variant replaces alanine with valine at codon 488 of the RB1 protein. Computational prediction suggests that this variant may have deleterious impact on protein structure and function (internally defined REVEL score threshold >= 0.7, PMID: 27666373). To our knowledge, functional studies have not been reported for this variant. This variant has not been reported in individuals affected with RB1-related disorders in the literature. This variant has been identified in 10/247746 chromosomes in the general population by the Genome Aggregation Database (gnomAD). The available evidence is insufficient to determine the role of this variant in disease conclusively. Therefore, this variant is classified as a Variant of Uncertain Significance.

This study involves interpretation of variants in research participants for the purpose of population health screening. Participant phenotype was not available at the time of variant classification. Additional details can be found in publication PMID: 35346344, PMCID: PMC8962531

Ambry Genetics
Classification: Likely benign for Hereditary cancer-predisposing syndrome. Last evaluated: 2021-07-20. Review status: criteria provided, single submitter. Criteria: Ambry Variant Classification Scheme 2023. Collection method: clinical testing. Allele origin: germline.